The following is an entry in ClinVar:

NM_001130144.3(LTBP3):c.2210del (p.Gln737fs)

Genes: LTBP3 (latent transforming growth factor beta binding protein 3; minus strand), LOC130006030 (ATAC-STARR-seq lymphoblastoid silent region 3533; plus strand). Cytogenetic location: 11q13.1.
Variant type: Deletion.
Coding change: c.2210del on transcript NM_001130144.3 (MANE Select); coding-DNA position 2210, one base deleted (A; older notation c.2210delA).
Protein change: p.Gln737fs; shifts the reading frame from glutamine 737.
Molecular consequence: frameshift variant.
Genome position (GRCh38, 1-based): chr11:65,546,818, T deleted on the plus strand (A on the coding strand, the reverse complement: LTBP3 is on the minus strand). VCF-style (leftmost placement, unchanged base first): chr11-65546817-CT-C. GRCh37 (hg19) VCF-style: chr11-65314288-CT-C.
Other names: c.1859del, p.Gln620fs (NM_001164266.1); c.2210del, p.Gln737fs (NM_021070.4); short protein forms Q620fs, Q737fs.
Identifiers: ClinVar variation 3718191 (VCV003718191.2).

ClinVar aggregate classification (germline): Pathogenic (1 of 4 stars; one submission).

Conditions:
Brachyolmia-amelogenesis imperfecta syndrome. Also called: PLATYSPONDYLY WITH AMELOGENESIS IMPERFECTA; Tooth agenesis, selective, 6; Dental anomalies and short stature. Identifiers: Orphanet 2899, MedGen C1832594, MONDO:0011018, OMIM 601216. Disease mechanism: loss of function.

Submission:

Labcorp Genetics (formerly Invitae), Labcorp
Classification: Pathogenic for Brachyolmia-amelogenesis imperfecta syndrome. Last evaluated: 2024-05-04. Review status: criteria provided, single submitter. Criteria: Invitae Variant Classification Sherloc (09022015). Collection method: clinical testing. Allele origin: germline.
Comment: This sequence change creates a premature translational stop signal (p.Gln737Argfs*9) in the LTBP3 gene. It is expected to result in an absent or disrupted protein product. Loss-of-function variants in LTBP3 are known to be pathogenic (PMID: 11790802, 19344874, 25669657). This variant is not present in population databases (gnomAD no frequency). This variant has not been reported in the literature in individuals affected with LTBP3-related conditions. For these reasons, this variant has been classified as Pathogenic.

Literature cited by the submitters: PubMed 11790802; PubMed 19344874; PubMed 25669657.